The following is an entry in ClinVar:

ClinVar aggregate classification (germline): Likely pathogenic (1 of 4 stars; one submission).

Conditions:
Cornelia de Lange syndrome 3 (CDLS3). Also called: CORNELIA DE LANGE SYNDROME 3 WITH OR WITHOUT MIDLINE BRAIN DEFECTS; SMC3-Related Cornelia de Lange Syndrome. Identifiers: Orphanet 199, MedGen C1853099, MONDO:0012555, OMIM 610759.

Submission:

Rady Children's Institute for Genomic Medicine, Rady Children's Hospital San Diego
Classification: Likely pathogenic for CORNELIA DE LANGE SYNDROME 3. Last evaluated: 2019-04-12. Review status: criteria provided, single submitter. Criteria: ACMG Guidelines, 2015. Collection method: clinical testing. Allele origin: germline. Affected: yes.
Comment: This variant has not been previously reported or functionally characterized in the literature to our knowledge. It is absent from the ExAC and gnomAD population databases and thus is presumed to be rare. The c.2495T>C (p.Leu832Pro) variant affects a highly conserved amino acid and is predicted by multiple in silico tools to have a deleterious effect on protein function. Analysis of the parental samples was negative for the variant, indicating this variant likely occurred as a de novo event. Based on the available evidence, the c.2495T>C (p.Leu832Pro) variant is classified as Likely Pathogenic.

NM_005445.4(SMC3):c.2495T>C (p.Leu832Pro)

Gene: SMC3 (structural maintenance of chromosomes 3; plus strand). Cytogenetic location: 10q25.2.
Variant type: single nucleotide variant.
Coding change: c.2495T>C on transcript NM_005445.4 (MANE Select); coding-DNA position 2495, T replaced by C.
Protein change: p.Leu832Pro; replaces leucine 832 with proline.
Molecular consequence: missense variant.
Genome position (GRCh38, 1-based): chr10:110,600,506, T>C. VCF-style: chr10-110600506-T-C. GRCh37 (hg19) VCF-style: chr10-112360264-T-C.
Other names: short protein forms L832P.
Identifiers: ClinVar variation 986343 (VCV000986343.1), dbSNP rs1861369323, ClinGen allele CA378392999.